The following is an entry in ClinVar:

ClinVar aggregate classification (germline): Likely pathogenic (1 of 4 stars; one submission).

Conditions:
Autosomal recessive limb-girdle muscular dystrophy type 2J (LGMDR10). Also called: Limb-girdle muscular dystrophy, type 2J; MUSCULAR DYSTROPHY, LIMB-GIRDLE, AUTOSOMAL RECESSIVE 10. Identifiers: Orphanet 140922, MedGen C1837342, MONDO:0012127, OMIM 608807.
Dilated cardiomyopathy 1G (CMD1G). Identifiers: Orphanet 154, MedGen C1858763, MONDO:0011400, OMIM 604145.

Submission:

Labcorp Genetics (formerly Invitae), Labcorp
Classification: Likely pathogenic for Dilated cardiomyopathy 1G; Autosomal recessive limb-girdle muscular dystrophy type 2J. Last evaluated: 2023-05-06. Review status: criteria provided, single submitter. Criteria: Invitae Variant Classification Sherloc (09022015). Collection method: clinical testing. Allele origin: unknown.
Comment: This variant results in the deletion of exons 249-269 and part of exon 248 (c.45944_50857+36delins77) of the TTN gene. It is expected to disrupt RNA splicing and likely results in a truncated or disrupted TTN protein. In summary, the currently available evidence indicates that the variant is pathogenic, but additional data are needed to prove that conclusively. Therefore, this variant has been classified as Likely Pathogenic. This variant disrupts the I and A bands of TTN (PMID: 25589632). Truncating variants in the A band are significantly overrepresented in patients affected with dilated cardiomyopathy (PMID: 25589632). Truncating variants in this region have also been reported in individuals affected with autosomal recessive centronuclear myopathy (PMID: 23975875). This variant has not been reported in the literature in individuals affected with TTN-related conditions.

Literature cited by the submitters: PubMed 25589632; PubMed 23975875.

NC_000002.11:g.(?_179476063)_(179485304_?)del

Gene: TTN (titin; minus strand). Cytogenetic location: 2q31.2.
Variant type: Deletion.
Identifiers: ClinVar variation 3247301 (VCV003247301.1).